The following is an entry in ClinVar:

ClinVar aggregate classification (germline): Conflicting classifications of pathogenicity. Review status: criteria provided, conflicting classifications (1 of 4 stars). 2 submissions from 2 submitters: Uncertain significance (1); Likely benign (1). Last evaluated 2026-02-19.

Conditions:
Intellectual developmental disorder, X-linked 93. Also called: MENTAL RETARDATION, X-LINKED, WITH MACROCEPHALY; Intellectual disability, X-linked 93. Identifiers: MedGen C1970841, MONDO:0010393, OMIM 300659.

gnomAD v4.1: 2 of 1,209,365 alleles (0.00017%); highest among the groups gnomAD compares: Non-Finnish European, 0.00022%; no homozygotes.

Submissions (2):

Centre for Medical Genetics,  Mumbai
Classification: Likely benign for Intellectual developmental disorder, X-linked 93. Last evaluated: 2026-02-19. Review status: criteria provided, single submitter. Criteria: ACMG Guidelines, 2015. Collection method: provider interpretation. Allele origin: germline. Inheritance: X-linked inheritance. Affected: no. Observed: 1 homozygote.
Comment: The variant satisfies PM2 criteria; Extremely low frequency in gnomAD population databases. The variant satisfies PP2 criteria; Missense variant in a gene with low rate of benign missense mutations and for which missense mutation is a common mechanism of a disease. The variant satisfies BP4 criteria; For a missense or a splice region variant, computational prediction tools unanimously support a benign effect on the gene. However, the variant satisfies BS2 criteria.

Labcorp Genetics (formerly Invitae), Labcorp
Classification: Uncertain significance. Last evaluated: 2025-04-10. Review status: criteria provided, single submitter. Criteria: Invitae Variant Classification Sherloc (09022015). Collection method: clinical testing. Allele origin: germline.
Comment: This sequence change replaces alanine, which is neutral and non-polar, with valine, which is neutral and non-polar, at codon 1304 of the BRWD3 protein (p.Ala1304Val). This variant is not present in population databases (gnomAD no frequency). This variant has not been reported in the literature in individuals affected with BRWD3-related conditions. Invitae Evidence Modeling of protein sequence and biophysical properties (such as structural, functional, and spatial information, amino acid conservation, physicochemical variation, residue mobility, and thermodynamic stability) indicates that this missense variant is not expected to disrupt BRWD3 protein function with a negative predictive value of 80%. In summary, the available evidence is currently insufficient to determine the role of this variant in disease. Therefore, it has been classified as a Variant of Uncertain Significance.

Literature cited by the submitters: PubMed 17668385 (cited by Centre for Medical Genetics,  Mumbai).

NM_153252.5(BRWD3):c.3911C>T (p.Ala1304Val)

Gene: BRWD3 (bromodomain and WD repeat domain containing 3; minus strand). Cytogenetic location: Xq21.1.
Variant type: single nucleotide variant.
Coding change: c.3911C>T on transcript NM_153252.5 (MANE Select); coding-DNA position 3911, C replaced by T.
Protein change: p.Ala1304Val; replaces alanine 1304 with valine.
Molecular consequence: missense variant.
Genome position (GRCh38, 1-based): chrX:80,686,957, G>A on the plus strand (C>T on the coding strand, the complement: BRWD3 is on the minus strand). VCF-style: chrX-80686957-G-A. GRCh37 (hg19) VCF-style: chrX-79942456-G-A.
Other names: c.3761C>T, p.Ala1254Val (NM_001441339.1); short protein forms A1254V, A1304V.
Identifiers: ClinVar variation 4773212 (VCV004773212.1).